The following is an entry in ClinVar:

NM_020987.5(ANK3):c.8512A>G (p.Thr2838Ala)

Gene: ANK3 (ankyrin 3; minus strand). Cytogenetic location: 10q21.2.
Variant type: single nucleotide variant.
Coding change: c.8512A>G on transcript NM_020987.5 (MANE Select); coding-DNA position 8512, A replaced by G.
Protein change: p.Thr2838Ala; replaces threonine 2838 with alanine.
Molecular consequence: missense variant. On other transcripts: intron variant (4).
Genome position (GRCh38, 1-based): chr10:60,072,369, T>C on the plus strand (A>G on the coding strand, the complement: ANK3 is on the minus strand). VCF-style: chr10-60072369-T-C. GRCh37 (hg19) VCF-style: chr10-61832127-T-C.
Other names: c.8512A>G (NM_020987.3); c.4388-4360A>G (NM_001204403.2); c.4409-4360A>G (NM_001204404.2); c.4406-4360A>G (NM_001320874.2); c.1808-4360A>G (NM_001149.4); short protein forms T2838A.
Identifiers: ClinVar variation 1574891 (VCV001574891.39), dbSNP rs200218631, ClinGen allele CA5511540.

ClinVar aggregate classification (germline): Conflicting classifications of pathogenicity. Review status: criteria provided, conflicting classifications (1 of 4 stars). 3 submissions from 3 submitters: Uncertain significance (1); Likely benign (2). Last evaluated 2025-05-23.

Allele frequency attached by ClinVar (database versions not stated): ESP Exome Variant Server 0.00008; gnomAD exomes 0.00012 and 0.00022; ExAC 0.00018; gnomAD 0.00019 and 0.00023; TOPMed 0.00024.
gnomAD v4.1: 227 of 1,613,874 alleles (0.014%); highest among the groups gnomAD compares: Middle Eastern, 0.033%; no homozygotes.

Submissions (3):

Labcorp Genetics (formerly Invitae), Labcorp
Classification: Likely benign. Last evaluated: 2025-05-23. Review status: criteria provided, single submitter. Criteria: Invitae Variant Classification Sherloc (09022015). Collection method: clinical testing. Allele origin: germline.

GeneDx
Classification: Uncertain significance. Last evaluated: 2024-08-05. Review status: criteria provided, single submitter. Criteria: GeneDx Variant Classification Process June 2021. Collection method: clinical testing. Allele origin: germline. Affected: yes.
Comment: In silico analysis indicates that this missense variant does not alter protein structure/function; Has not been previously published as pathogenic or benign to our knowledge

CeGaT Center for Human Genetics Tuebingen
Classification: Likely benign. Last evaluated: 2022-07-01. Review status: criteria provided, single submitter. Criteria: CeGaT Center For Human Genetics Tuebingen Variant Classification Criteria Version 2. Collection method: clinical testing. Allele origin: germline. Affected: yes. Observed: 1 variant allele.
Comment: ANK3: BP4